The following is an entry in ClinVar:

NM_006662.3(SRCAP):c.8813G>A (p.Arg2938Lys)

Gene: SRCAP (Snf2 related CREBBP activator protein; plus strand). Cytogenetic location: 16p11.2.
Variant type: single nucleotide variant.
Coding change: c.8813G>A on transcript NM_006662.3 (MANE Select); coding-DNA position 8813, G replaced by A.
Protein change: p.Arg2938Lys; replaces arginine 2938 with lysine.
Molecular consequence: missense variant.
Genome position (GRCh38, 1-based): chr16:30,738,853, G>A. VCF-style: chr16-30738853-G-A. GRCh37 (hg19) VCF-style: chr16-30750174-G-A.
Other names: short protein forms R2938K.
Identifiers: ClinVar variation 4695233 (VCV004695233.1).

ClinVar aggregate classification (germline): Uncertain significance (1 of 4 stars; one submission).

gnomAD v4.1: 11 of 1,614,040 alleles (0.00068%); highest among the groups gnomAD compares: African/African-American, 0.0013%; no homozygotes.

Submission:

Labcorp Genetics (formerly Invitae), Labcorp
Classification: Uncertain significance. Last evaluated: 2025-03-20. Review status: criteria provided, single submitter. Criteria: Invitae Variant Classification Sherloc (09022015). Collection method: clinical testing. Allele origin: germline.
Comment: This sequence change replaces arginine, which is basic and polar, with lysine, which is basic and polar, at codon 2938 of the SRCAP protein (p.Arg2938Lys). This variant is present in population databases (rs372357659, gnomAD 0.002%). This variant has not been reported in the literature in individuals affected with SRCAP-related conditions. Invitae Evidence Modeling of protein sequence and biophysical properties (such as structural, functional, and spatial information, amino acid conservation, physicochemical variation, residue mobility, and thermodynamic stability) indicates that this missense variant is not expected to disrupt SRCAP protein function with a negative predictive value of 80%. In summary, the available evidence is currently insufficient to determine the role of this variant in disease. Therefore, it has been classified as a Variant of Uncertain Significance.